The following is an entry in ClinVar:

NM_006206.6(PDGFRA):c.1658C>G (p.Pro553Arg)

Gene: PDGFRA (platelet derived growth factor receptor alpha; plus strand). Cytogenetic location: 4q12.
Variant type: single nucleotide variant.
Coding change: c.1658C>G on transcript NM_006206.6 (MANE Select); coding-DNA position 1658, C replaced by G.
Protein change: p.Pro553Arg; replaces proline 553 with arginine.
Molecular consequence: missense variant.
Genome position (GRCh38, 1-based): chr4:54,274,845, C>G. VCF-style: chr4-54274845-C-G. GRCh37 (hg19) VCF-style: chr4-55141012-C-G.
Other names: c.1658C>G, p.Pro553Arg (NM_001347827.2, NM_001347829.2); c.1733C>G, p.Pro578Arg (NM_001347828.2); c.1697C>G, p.Pro566Arg (NM_001347830.2); short protein forms P578R, P566R, P553R.
Identifiers: ClinVar variation 955404 (VCV000955404.10), dbSNP rs1060501502, ClinGen allele CA356893028.

ClinVar aggregate classification (germline): Uncertain significance (1 of 4 stars; one submission).

Conditions:
Gastrointestinal stromal tumor. Also called: Gastrointestinal stromal tumor, somatic; Gastrointestinal stroma tumor. Identifiers: Orphanet 44890, MedGen C0238198, MeSH D046152, MONDO:0011719, OMIM 606764, HP:0100723.

Submission:

Labcorp Genetics (formerly Invitae), Labcorp
Classification: Uncertain significance for Gastrointestinal stromal tumor. Last evaluated: 2023-08-01. Review status: criteria provided, single submitter. Criteria: Invitae Variant Classification Sherloc (09022015). Collection method: clinical testing. Allele origin: germline.
Comment: In summary, the available evidence is currently insufficient to determine the role of this variant in disease. Therefore, it has been classified as a Variant of Uncertain Significance. Advanced modeling of protein sequence and biophysical properties (such as structural, functional, and spatial information, amino acid conservation, physicochemical variation, residue mobility, and thermodynamic stability) has been performed at Invitae for this missense variant, however the output from this modeling did not meet the statistical confidence thresholds required to predict the impact of this variant on PDGFRA protein function. ClinVar contains an entry for this variant (Variation ID: 955404). This variant has not been reported in the literature in individuals affected with PDGFRA-related conditions. This variant is not present in population databases (gnomAD no frequency). This sequence change replaces proline, which is neutral and non-polar, with arginine, which is basic and polar, at codon 553 of the PDGFRA protein (p.Pro553Arg).